The following is an entry in ClinVar:

NM_001040214.2(NKAIN2):c.55-187304_55-129556dup

Gene: NKAIN2 (sodium/potassium transporting ATPase interacting 2; plus strand). Cytogenetic location: 6q22.31.
Variant type: Duplication.
Coding change: c.55-187304_55-129556dup on transcript NM_001040214.2; 187304 bases into the intron before coding-DNA position 55 through 129556 bases into the intron before coding-DNA position 55, this stretch duplicated.
Identifiers: ClinVar variation 157026 (VCV000157026.2).

ClinVar aggregate classification (germline): not provided (0 of 4 stars; one submission).

Conditions:
Small for gestational age. Also called: Low birth weight. Identifiers: MedGen C0235991, HP:0001518.

Submission:

Institute of Molecular and Cell Biology, University of Tartu
No classification provided. Condition: Small for gestational age. Review status: no classification provided. Collection method: case-control. Allele origin: unknown. Affected: yes. Study: Kasak2014.
Comment: The study aimed to determine the contribution of copy number variants in the genetic etiology of normal and complicated pregnancies. The samples represented (i) maternal blood DNA drawn from healthy pregnant women during 1st or 2nd trimester and (ii) maternal and paternal blood DNA drawn at term pregnancy cases representing normal and complicated gestations (severe preeclampsia, PE; gestational diabetes, GD; small-for-gestational age newborn, SGA; large-for-gestational age newborn, LGA). We performed CNV calling based on genome-wide genotyping dataset (Illumina HumanOmniExpress-24-v1 BeadChip) by applying three algorithms, QuantiSNP, GADA (Genome Alteration Detection Algorithm) and CNstream in parallel. The acquired CNV calls were merged with HD-CNV (Hotspot Detector for Copy Number Variants) program and only the CNVs predicted by at least two programs, were considered in subsequent analysis.

Literature cited by the submitters: PubMed 25666259.